The following is an entry in ClinVar:

ClinVar aggregate classification (germline): Uncertain significance. Review status: criteria provided, multiple submitters, no conflicts (2 of 4 stars). 2 submissions from 2 submitters: Uncertain significance (2). Last evaluated 2026-02-02.

Conditions:
Autosomal recessive nonsyndromic hearing loss 3. Also called: NEUROSENSORY NONSYNDROMIC RECESSIVE DEAFNESS 3. Identifiers: Orphanet 90636, MedGen C1838263, MONDO:0010860, OMIM 600316.
MYO15A-related disorder. Also called: MYO15A-related condition.

Allele frequency attached by ClinVar (database versions not stated): gnomAD exomes below 0.00001; TOPMed below 0.00001; gnomAD 0.00001.
gnomAD v4.1: 7 of 1,610,252 alleles (0.00043%); highest among the groups gnomAD compares: Admixed American, 0.0033%; no homozygotes.

Submissions (2):

PreventionGenetics, part of Exact Sciences
Classification: Uncertain significance for MYO15A-related condition. Last evaluated: 2026-02-02. Review status: criteria provided, single submitter. Criteria: ACMG Guidelines, 2015. Collection method: clinical testing. Allele origin: germline.
Comment: The MYO15A c.581G>A variant is predicted to result in the amino acid substitution p.Arg194His. To our knowledge, this variant has not been reported in the literature. This variant is reported in 0.0029% of alleles in individuals of Latino descent in gnomAD. At this time, the clinical significance of this variant is uncertain due to the absence of conclusive functional and genetic evidence.

3billion
Classification: Uncertain significance for Autosomal recessive nonsyndromic hearing loss 3. Last evaluated: 2022-05-22. Review status: criteria provided, single submitter. Criteria: ACMG Guidelines, 2015. Collection method: clinical testing. Allele origin: germline. Affected: yes. Observed: 1 heterozygote.
Comment: The variant is observed at an extremely low frequency in the gnomAD v2.1.1 dataset (total allele frequency: <0.001%). In silico tool predictions suggest no damaging effect of the variant on gene or gene product (REVEL: 0.26; 3Cnet: 0.01). Therefore, this variant is classified as uncertain significanceaccording to the recommendation of ACMG/AMP guideline.

NM_016239.4(MYO15A):c.581G>A (p.Arg194His)

Gene: MYO15A (myosin XVA; plus strand). Cytogenetic location: 17p11.2.
Variant type: single nucleotide variant.
Coding change: c.581G>A on transcript NM_016239.4 (MANE Select); coding-DNA position 581, G replaced by A.
Protein change: p.Arg194His; replaces arginine 194 with histidine.
Molecular consequence: missense variant.
Genome position (GRCh38, 1-based): chr17:18,119,381, G>A. VCF-style: chr17-18119381-G-A. GRCh37 (hg19) VCF-style: chr17-18022695-G-A.
Other names: c.581G>A (NM_016239.3); short protein forms R194H.
Identifiers: ClinVar variation 1687525 (VCV001687525.2), dbSNP rs1423809264, ClinGen allele CA398574087.